The following is an entry in ClinVar:

ClinVar aggregate classification (germline): Uncertain significance. Review status: criteria provided, multiple submitters, no conflicts (2 of 4 stars). 3 submissions from 3 submitters: Uncertain significance (3). Last evaluated 2025-04-23.

Conditions:
Cardiovascular phenotype. Identifiers: MedGen CN230736.
Dilated cardiomyopathy 1JJ (CMD1JJ). Identifiers: Orphanet 154, MedGen C3808935, MONDO:0014095, OMIM 615235.

gnomAD v4.1: 10 of 1,611,500 alleles (0.00062%); highest among the groups gnomAD compares: Admixed American, 0.017%; no homozygotes.

Submissions (3):

Labcorp Genetics (formerly Invitae), Labcorp
Classification: Uncertain significance for Dilated cardiomyopathy 1JJ. Last evaluated: 2025-04-23. Review status: criteria provided, single submitter. Criteria: Invitae Variant Classification Sherloc (09022015). Collection method: clinical testing. Allele origin: germline.
Comment: This sequence change replaces glycine, which is neutral and non-polar, with serine, which is neutral and polar, at codon 1705 of the LAMA4 protein (p.Gly1705Ser). This variant is present in population databases (rs782190187, gnomAD 0.02%). This variant has not been reported in the literature in individuals affected with LAMA4-related conditions. ClinVar contains an entry for this variant (Variation ID: 3383789). Invitae Evidence Modeling of protein sequence and biophysical properties (such as structural, functional, and spatial information, amino acid conservation, physicochemical variation, residue mobility, and thermodynamic stability) indicates that this missense variant is not expected to disrupt LAMA4 protein function with a negative predictive value of 80%. In summary, the available evidence is currently insufficient to determine the role of this variant in disease. Therefore, it has been classified as a Variant of Uncertain Significance.

Ambry Genetics
Classification: Uncertain significance for Cardiovascular phenotype. Last evaluated: 2025-01-24. Review status: criteria provided, single submitter. Criteria: Ambry Variant Classification Scheme 2023. Collection method: clinical testing. Allele origin: germline.

GeneDx
Classification: Uncertain significance. Last evaluated: 2024-05-29. Review status: criteria provided, single submitter. Criteria: GeneDx Variant Classification Process June 2021. Collection method: clinical testing. Allele origin: germline. Affected: yes.
Comment: In silico analysis supports that this missense variant has a deleterious effect on protein structure/function; Has not been previously published as pathogenic or benign to our knowledge

NM_001105206.3(LAMA4):c.5134G>A (p.Gly1712Ser)

Gene: LAMA4 (laminin subunit alpha 4; minus strand). Cytogenetic location: 6q21.
Variant type: single nucleotide variant.
Coding change: c.5134G>A on transcript NM_001105206.3 (MANE Select); coding-DNA position 5134, G replaced by A.
Protein change: p.Gly1712Ser; replaces glycine 1712 with serine.
Molecular consequence: missense variant.
Genome position (GRCh38, 1-based): chr6:112,114,735, C>T on the plus strand (G>A on the coding strand, the complement: LAMA4 is on the minus strand). VCF-style: chr6-112114735-C-T. GRCh37 (hg19) VCF-style: chr6-112435938-C-T.
Other names: c.5113G>A, p.Gly1705Ser (NM_001105207.3, NM_002290.5); short protein forms G1705S, G1712S.
Identifiers: ClinVar variation 3383789 (VCV003383789.4).
Genomic context (GRCh38, chr6:112,114,735, plus strand): 5'-GCCATCTGCCATCACAGAGACTCTGCTTGGGTGTAACTGAGGTGGAAAAATCTCTGATGC[C>T]ATTATTGACTTTCACTATGACCTGCAAAAGATAGGACACATTGTATGATTTAGTTTGTCC-3'
Protein context (NP_001098676.2, residues 1702-1722): NGQVIVKVNN[Gly1712Ser]IRDFSTSVTP